The following is an entry in ClinVar:

NM_000348.4(SRD5A2):c.683C>G (p.Ala228Gly)

Gene: SRD5A2 (steroid 5 alpha-reductase 2; minus strand). Cytogenetic location: 2p23.1.
Variant type: single nucleotide variant.
Coding change: c.683C>G on transcript NM_000348.4 (MANE Select); coding-DNA position 683, C replaced by G.
Protein change: p.Ala228Gly; replaces alanine 228 with glycine.
Molecular consequence: missense variant.
Genome position (GRCh38, 1-based): chr2:31,529,322, G>C on the plus strand (C>G on the coding strand, the complement: SRD5A2 is on the minus strand). VCF-style: chr2-31529322-G-C. GRCh37 (hg19) VCF-style: chr2-31754392-G-C.
Other names: short protein forms A228G.
Identifiers: ClinVar variation 2573397 (VCV002573397.1), dbSNP rs1553323488, ClinGen allele CA346597875.
Genomic context (GRCh38, chr2:31,529,322, plus strand): 5'-AGAAGAAAGCTACGTGAATGCTGCCGCTTTTATTGAAAAATTTACCTATGGTGGTGAAAA[G>C]CTCGCAGCCCAAGGAAACAAAGTGAGAAAAATGCAAATGCAAGTGCTGGGAGGGACCAAG-3'
Protein context (NP_000339.2, residues 218-238): FFSLCFLGLR[Ala228Gly]FHHHRFYLKM

ClinVar aggregate classification (germline): Likely pathogenic (1 of 4 stars; one submission).

Conditions:
3-Oxo-5 alpha-steroid delta 4-dehydrogenase deficiency (PPSH). Also called: FAMILIAL INCOMPLETE MALE PSEUDOHERMAPHRODITISM, TYPE 2; MALE PSEUDOHERMAPHRODITISM DUE TO 5-ALPHA-REDUCTASE DEFICIENCY; 46,XY disorder of sex development due to 5-alpha-reductase 2 deficiency; PSEUDOVAGINAL PERINEOSCROTAL HYPOSPADIAS. Identifiers: Orphanet 753, MedGen C0268297, MONDO:0009923, OMIM 264600. Disease mechanism: loss of function.

Submission:

Women's Health and Genetics/Laboratory Corporation of America, LabCorp
Classification: Likely pathogenic for 3-Oxo-5 alpha-steroid delta 4-dehydrogenase deficiency. Last evaluated: 2023-06-22. Review status: criteria provided, single submitter. Criteria: LabCorp Variant Classification Summary - May 2015. Collection method: clinical testing. Allele origin: germline.
Comment: Variant summary: SRD5A2 c.680C>G (p.Ala227Gly), also known as c.683C>G (p.A228G), results in a non-conservative amino acid change located in the C-terminal domain (IPR001104) of the encoded protein sequence. Three of three in-silico tools predict a damaging effect of the variant on protein function. The variant was absent in 248984 control chromosomes (gnomAD). The available data on variant occurrences in the general population are insufficient to allow any conclusion about variant significance. c.680C>G has been reported in the literature in at least one case of SRY-negative 46,XX testicular disorder of sex development, however a second SRD5A2 variant allele was not identified (e.g., Kim_2021). This report does not provide unequivocal conclusions about association of the variant with 3-Oxo-5 alpha-steroid delta 4-dehydrogenase deficiency. The following publication was ascertained in the context of this evaluation (PMID: 33775494). To our knowledge, no experimental evidence demonstrating an impact on protein function has been reported. No submitters have cited clinical-significance assessments for this variant to ClinVar after 2014. Additionally, different missense variants disrupting the same codon, c.680C>T (p.Ala227Val; known in the literature as c.683C>T/p.A228V) and c.679G>A (p.Alla227Thr; known in the literature as c.682G>A/p.A228T), have been classified as pathogenic in ClinVar and reported in the literature in many individuals affected with steroid 5-alpha-reductase deficiency (PMIDs: 32713132, 32784047, 8784107, 20736251, 31031332, 32596280). Based on the evidence outlined above, the variant was classified as likely pathogenic.

Literature cited by the submitters: PubMed 33775494.